The following is an entry in ClinVar:

ClinVar aggregate classification (germline): Uncertain significance (1 of 4 stars; one submission).

Conditions:
NRP1-related disorder. Also called: NRP1-related condition.

Submission:

PreventionGenetics, part of Exact Sciences
Classification: Uncertain significance for NRP1-related condition. Last evaluated: 2024-10-09. Review status: criteria provided, single submitter. Criteria: ACMG Guidelines, 2015. Collection method: clinical testing. Allele origin: germline.
Comment: The NRP1 c.1283_1284dupAT variant is predicted to result in a frameshift and premature protein termination (p.Tyr429Ilefs*38). To our knowledge, this variant has not been reported in the literature or in a large population database (gnomAD), indicating this variant is rare. Although we suspect that this variant may be pathogenic, at this time, the clinical significance of this variant is uncertain due to the absence of conclusive functional and genetic evidence.

NM_003873.7(NRP1):c.1283_1284dup (p.Tyr429fs)

Gene: NRP1 (neuropilin 1; minus strand). Cytogenetic location: 10p11.22.
Variant type: Duplication.
Coding change: c.1283_1284dup on transcript NM_003873.7 (MANE Select); coding-DNA positions 1283 to 1284, 2 bases duplicated (AT; older notation c.1283_1284dupAT).
Protein change: p.Tyr429fs; shifts the reading frame from tyrosine 429.
Molecular consequence: frameshift variant. On other transcripts: non-coding transcript variant (1).
Genome position (GRCh38, 1-based): chr10:33,213,716-33,213,717, AT duplicated on the plus strand (AT on the coding strand, the reverse complement: NRP1 is on the minus strand). VCF-style (leftmost placement, unchanged base first): chr10-33213715-A-AAT. GRCh37 (hg19) VCF-style: chr10-33502643-A-AAT.
Other names: c.1283_1284dup, p.Tyr429fs (NM_001024628.3, NM_001024629.3, NM_001244972.2 and 2 more transcripts); short protein forms Y429fs.
Identifiers: ClinVar variation 4999254 (VCV004999254.1).